The following is an entry in ClinVar:

NM_012144.4(DNAI1):c.1463del (p.Pro488fs)

Gene: DNAI1 (dynein axonemal intermediate chain 1; plus strand). Cytogenetic location: 9p13.3.
Variant type: Deletion.
Coding change: c.1463del on transcript NM_012144.4 (MANE Select); coding-DNA position 1463, one base deleted (C; older notation c.1463delC).
Protein change: p.Pro488fs; shifts the reading frame from proline 488.
Molecular consequence: frameshift variant.
Genome position (GRCh38, 1-based): chr9:34,512,398, C deleted; the last of 2 consecutive C bases (chr9:34,512,397-34,512,398); deleting either gives the same sequence. VCF-style (leftmost placement, unchanged base first): chr9-34512396-TC-T. GRCh37 (hg19) VCF-style: chr9-34512394-TC-T.
Other names: c.1463del (NM_012144.3); c.1475del, p.Pro492fs (NM_001281428.2); c.1462delC (NM_012144.3); short protein forms P488fs, P492fs.
Identifiers: ClinVar variation 1344592 (VCV001344592.6), dbSNP rs2132081705, ClinGen allele CA2573144579.
Genomic context (GRCh38, chr9:34,512,396, plus strand): 5'-GAGAAAGCTGGTTCACATAGATGTCATCAAGCTGAAGGTGGAAGGCAGCACCACGGAAGT[TC>T]CTGAGGGGTTGCAGCTGCACCCAGTGGGTAGGAGCCCCAGCCCTCTCACCTCCAGGCCTG-3'

ClinVar aggregate classification (germline): Pathogenic/Likely pathogenic. Review status: criteria provided, multiple submitters, no conflicts (2 of 4 stars). 4 submissions from 4 submitters: Pathogenic (2); Likely pathogenic (1). 1 of the submissions does not count toward it. Last evaluated 2024-05-15.

Conditions:
Kartagener syndrome (CILD1). Also called: CILIARY DYSKINESIA, PRIMARY, 1; Dextrocardia bronchiectasis and sinusitis; SIEWERT SYNDROME; CILIARY DYSKINESIA, PRIMARY, 1, WITH OR WITHOUT SITUS INVERSUS; IMMOTILE CILIA SYNDROME; POLYNESIAN BRONCHIECTASIS. Identifiers: Orphanet 244, MedGen C4551906, MONDO:0009484, OMIM 244400.
Primary ciliary dyskinesia. Also called: Ciliary dyskinesia. Identifiers: Orphanet 244, MedGen C0008780, MONDO:0016575, HP:0012265.

Submissions (4):

Natera, Inc.
Classification: Likely pathogenic for Primary ciliary dyskinesia. Last evaluated: 2024-05-15. Review status: criteria provided, single submitter. Criteria: Natera Variant Classification Schema (03/2026). Collection method: clinical testing. Allele origin: germline.
Comment: The c.1463del variant in DNAI1 is a frameshift variant predicted to shift the reading frame beginning at codon 488 and leads to a stop codon 26 codons downstream. This variant is expected to result in nonsense mediated decay, truncation, or a dysfunctional protein product. This variant is rare in the general population with a frequency below the threshold expected for the associated phenotype(s). Given the available evidence, this variant is classified as Likely Pathogenic.

Myriad Genetics, Inc.
Classification: Pathogenic for Kartagener syndrome. Last evaluated: 2024-05-14. Review status: criteria provided, single submitter. Criteria: Myriad Autosomal Dominant, Autosomal Recessive and X-Linked Classification Criteria (2023). Collection method: clinical testing. Allele origin: unknown.
Comment: NM_012144.2(DNAI1):c.1463delC(P488Lfs*26) is expected to be pathogenic in the context of primary ciliary dyskinesia, DNAI1-related. This variant is predicted to lead to an abnormal or absent protein product due to the creation of a premature termination codon in DNAI1, a gene where loss-of-function variants are known to be pathogenic. Please note: this variant was assessed in the context of healthy population screening.

Labcorp Genetics (formerly Invitae), Labcorp
Classification: Pathogenic for Primary ciliary dyskinesia. Last evaluated: 2023-12-25. Review status: criteria provided, single submitter. Criteria: Invitae Variant Classification Sherloc (09022015). Collection method: clinical testing. Allele origin: germline.
Comment: This sequence change creates a premature translational stop signal (p.Pro488Leufs*26) in the DNAI1 gene. It is expected to result in an absent or disrupted protein product. Loss-of-function variants in DNAI1 are known to be pathogenic (PMID: 16858015, 29363216). This variant is not present in population databases (gnomAD no frequency). This premature translational stop signal has been observed in individual(s) with primary ciliary dyskinesia (PMID: 30067075). ClinVar contains an entry for this variant (Variation ID: 1344592). Algorithms developed to predict the effect of sequence changes on RNA splicing suggest that this variant may disrupt the consensus splice site. For these reasons, this variant has been classified as Pathogenic.

Yale Center for Mendelian Genomics, Yale University
Classification: Likely pathogenic for Primary ciliary dyskinesia. Last evaluated: 2018-08-01. Review status: no assertion criteria provided. Collection method: literature only. Allele origin: germline. Affected: yes. Observed: 1 compound heterozygote. Study: Yale Center for Mendelian Genomics. Not counted in ClinVar's aggregate classification.

Literature cited by the submitters: PubMed 16858015 (cited by Labcorp Genetics (formerly Invitae), Labcorp); PubMed 29363216 (cited by Labcorp Genetics (formerly Invitae), Labcorp); PubMed 30067075 (cited by Labcorp Genetics (formerly Invitae), Labcorp and Yale Center for Mendelian Genomics, Yale University).